The following is an entry in ClinVar:

ClinVar aggregate classification (germline): Likely benign. Review status: criteria provided, multiple submitters, no conflicts (2 of 4 stars). 2 submissions from 2 submitters: Likely benign (2). Last evaluated 2025-12-03.

Allele frequency attached by ClinVar (database versions not stated): gnomAD 0.00001; TOPMed 0.00005.

Submissions (2):

Labcorp Genetics (formerly Invitae), Labcorp
Classification: Likely benign. Last evaluated: 2025-12-03. Review status: criteria provided, single submitter. Criteria: Invitae Variant Classification Sherloc (09022015). Collection method: clinical testing. Allele origin: germline.

CeGaT Center for Human Genetics Tuebingen
Classification: Likely benign. Last evaluated: 2022-05-01. Review status: criteria provided, single submitter. Criteria: CeGaT Center For Human Genetics Tuebingen Variant Classification Criteria Version 2. Collection method: clinical testing. Allele origin: germline. Affected: yes. Observed: 1 variant allele.
Comment: BRD4: BP4, BP7

NM_001379291.1(BRD4):c.3057C>G (p.Pro1019=)

Gene: BRD4 (bromodomain containing 4; minus strand). Cytogenetic location: 19p13.12.
Variant type: single nucleotide variant.
Coding change: c.3057C>G on transcript NM_001379291.1 (MANE Select); coding-DNA position 3057, C replaced by G.
Protein change: p.Pro1019=; no amino-acid change (proline 1019 retained).
Molecular consequence: synonymous variant.
Genome position (GRCh38, 1-based): chr19:15,243,012, G>C on the plus strand (C>G on the coding strand, the complement: BRD4 is on the minus strand). VCF-style: chr19-15243012-G-C. GRCh37 (hg19) VCF-style: chr19-15353823-G-C.
Other names: c.3057C>G, p.Pro1019= (NM_058243.3).
Identifiers: ClinVar variation 2071292 (VCV002071292.28), dbSNP rs201946044, ClinGen allele CA9264824.
Genomic context (GRCh38, chr19:15,243,012, plus strand): 5'-GACTTGCTGAGGCTTGGCAGGCTGCGGCGGGGGTGGCTGCTGGCCTGGGGGCGGATGGGG[G>C]GGCTGCTGGCCCTGGGGTGGCGGGGGCTGTTGGATGTGGGTGGAAAACTGCATGGGCTGC-3'
Protein context (NP_001366220.1, residues 1009-1029): QQPPPPQGQQ[Pro1019=]PHPPPGQQPP